The following is an entry in ClinVar:

ClinVar aggregate classification (germline): Uncertain significance (1 of 4 stars; one submission).

Conditions:
Cardiovascular phenotype. Identifiers: MedGen CN230736.

Allele frequency attached by ClinVar (database versions not stated): gnomAD 0.00002; TOPMed 0.00002.

Submission:

Ambry Genetics
Classification: Uncertain significance for Cardiovascular phenotype. Last evaluated: 2024-04-04. Review status: criteria provided, single submitter. Criteria: Ambry Variant Classification Scheme 2023. Collection method: clinical testing. Allele origin: germline.
Comment: The p.T88R variant (also known as c.263C>G), located in coding exon 1 of the SCN10A gene, results from a C to G substitution at nucleotide position 263. The threonine at codon 88 is replaced by arginine, an amino acid with similar properties. This amino acid position is not well conserved in available vertebrate species. In addition, the in silico prediction for this alteration is inconclusive. The evidence for this gene-disease relationship is limited; therefore, the clinical significance of this alteration is unclear.

NM_006514.4(SCN10A):c.263C>G (p.Thr88Arg)

Gene: SCN10A (sodium voltage-gated channel alpha subunit 10; minus strand). Cytogenetic location: 3p22.2.
Variant type: single nucleotide variant.
Coding change: c.263C>G on transcript NM_006514.4 (MANE Select); coding-DNA position 263, C replaced by G.
Protein change: p.Thr88Arg; replaces threonine 88 with arginine.
Molecular consequence: missense variant.
Genome position (GRCh38, 1-based): chr3:38,793,748, G>C on the plus strand (C>G on the coding strand, the complement: SCN10A is on the minus strand). VCF-style: chr3-38793748-G-C. GRCh37 (hg19) VCF-style: chr3-38835239-G-C.
Other names: c.263C>G, p.Thr88Arg (NM_001293306.2, NM_001293307.2); short protein forms T88R.
Identifiers: ClinVar variation 1794166 (VCV001794166.3), dbSNP rs1226072923, ClinGen allele CA352162462.